The following is an entry in ClinVar:

ClinVar aggregate classification (germline): Uncertain significance (1 of 4 stars; one submission).

Submission:

Labcorp Genetics (formerly Invitae), Labcorp
Classification: Uncertain significance. Last evaluated: 2023-07-26. Review status: criteria provided, single submitter. Criteria: Invitae Variant Classification Sherloc (09022015). Collection method: clinical testing. Allele origin: germline.
Comment: This sequence change replaces glutamic acid, which is acidic and polar, with aspartic acid, which is acidic and polar, at codon 149 of the ANGPT1 protein (p.Glu149Asp). This variant is not present in population databases (gnomAD no frequency). This variant has not been reported in the literature in individuals affected with ANGPT1-related conditions. An algorithm developed to predict the effect of missense changes on protein structure and function (PolyPhen-2) suggests that this variant is likely to be disruptive. In summary, the available evidence is currently insufficient to determine the role of this variant in disease. Therefore, it has been classified as a Variant of Uncertain Significance.

NM_001146.5(ANGPT1):c.447G>C (p.Glu149Asp)

Gene: ANGPT1 (angiopoietin 1; minus strand). Cytogenetic location: 8q23.1.
Variant type: single nucleotide variant.
Coding change: c.447G>C on transcript NM_001146.5 (MANE Select); coding-DNA position 447, G replaced by C.
Protein change: p.Glu149Asp; replaces glutamic acid 149 with aspartic acid.
Molecular consequence: missense variant.
Genome position (GRCh38, 1-based): chr8:107,346,948, C>G on the plus strand (G>C on the coding strand, the complement: ANGPT1 is on the minus strand). VCF-style: chr8-107346948-C-G. GRCh37 (hg19) VCF-style: chr8-108359176-C-G.
Other names: c.447G>C, p.Glu149Asp (NM_001199859.3); short protein forms E149D.
Identifiers: ClinVar variation 2747046 (VCV002747046.3), dbSNP rs2488305517, ClinGen allele CA372034724.